The following is an entry in ClinVar:

ClinVar aggregate classification (germline): Pathogenic (0 of 4 stars; one submission).

Conditions:
Fanconi anemia complementation group P. Also called: SLX4-Related Fanconi Anemia. Identifiers: Orphanet 84, MedGen C3469542, MONDO:0013499, OMIM 613951.

Submission:

Leiden Open Variation Database
Classification: Pathogenic for Fanconi anemia complementation group P. Last evaluated: 2011-02-22. Review status: no assertion criteria provided. Collection method: curation. Allele origin: germline. Affected: yes.
Comment: Curator: Arleen D. Auerbach. Submitter to LOVD: Arleen D. Auerbach.

Literature cited by the submitters: PubMed 21240277.

NM_032444.4(SLX4):c.1163+3dup

Gene: SLX4 (SLX4 structure-specific endonuclease subunit; minus strand). Cytogenetic location: 16p13.3.
Variant type: Duplication.
Coding change: c.1163+3dup on transcript NM_032444.4 (MANE Select); 3 bases into the intron after coding-DNA position 1163, one base duplicated (A; older notation c.1163+3dupA).
Molecular consequence: intron variant.
Genome position (GRCh38, 1-based): chr16:3,600,975, T duplicated on the plus strand (A on the coding strand, the reverse complement: SLX4 is on the minus strand); the first of 2 consecutive T bases (chr16:3,600,975-3,600,976); duplicating either gives the same sequence. VCF-style (leftmost placement, unchanged base first): chr16-3600974-C-CT. GRCh37 (hg19) VCF-style: chr16-3650975-C-CT.
Identifiers: ClinVar variation 929599 (VCV000929599.1), dbSNP rs2040719776, ClinGen allele CA1139664454.